The following is an entry in ClinVar:

NM_004698.4(PRPF3):c.1849GAG[1] (p.Glu618del)

Gene: PRPF3 (pre-mRNA processing factor 3; plus strand). Cytogenetic location: 1q21.2.
Variant type: Microsatellite.
Coding change: c.1849GAG[1] on transcript NM_004698.4 (MANE Select); one copy of the 3-base unit GAG starting at c.1849; the reference has two copies in a row; one copy, 3 bases deleted.
Protein change: p.Glu618del; deletes glutamic acid 618.
Molecular consequence: inframe deletion. On other transcripts: non-coding transcript variant (4).
Genome position (GRCh38, 1-based): chr1:150,349,165-150,349,167, GAG deleted; deleting any 3 consecutive bases within chr1:150,349,162-150,349,167 gives the same sequence; the position shown is the placement nearest the transcript's 3' end. VCF-style (leftmost placement, unchanged base first): chr1-150349161-TGAG-T. GRCh37 (hg19) VCF-style: chr1-150321637-TGAG-T.
Other names: c.1444GAG[1], p.Glu483del (NM_001350529.1); short protein forms E483del, E618del.
Identifiers: ClinVar variation 1350905 (VCV001350905.8), dbSNP rs781837059, ClinGen allele CA1075724.

ClinVar aggregate classification (germline): Uncertain significance (1 of 4 stars; one submission).

Submission:

Labcorp Genetics (formerly Invitae), Labcorp
Classification: Uncertain significance. Last evaluated: 2021-03-17. Review status: criteria provided, single submitter. Criteria: Invitae Variant Classification Sherloc (09022015). Collection method: clinical testing. Allele origin: germline.
Comment: This variant has not been reported in the literature in individuals with PRPF3-related conditions. In summary, the available evidence is currently insufficient to determine the role of this variant in disease. Therefore, it has been classified as a Variant of Uncertain Significance. Experimental studies and prediction algorithms are not available or were not evaluated, and the functional significance of this variant is currently unknown. This variant is present in population databases (rs781837059, ExAC 0.003%). This variant, c.1852_1854del, results in the deletion of 1 amino acid(s) of the PRPF3 protein (p.Glu618del), but otherwise preserves the integrity of the reading frame.